The following is an entry in ClinVar:

NM_015404.4(WHRN):c.1469G>A (p.Arg490His)

Gene: WHRN (whirlin; minus strand). Cytogenetic location: 9q32.
Variant type: single nucleotide variant.
Coding change: c.1469G>A on transcript NM_015404.4 (MANE Select); coding-DNA position 1469, G replaced by A.
Protein change: p.Arg490His; replaces arginine 490 with histidine.
Molecular consequence: missense variant.
Genome position (GRCh38, 1-based): chr9:114,423,471, C>T on the plus strand (G>A on the coding strand, the complement: WHRN is on the minus strand). VCF-style: chr9-114423471-C-T. GRCh37 (hg19) VCF-style: chr9-117185751-C-T.
Other names: c.320G>A, p.Arg107His (NM_001083885.3); c.1469G>A, p.Arg490His (NM_001173425.2); c.416G>A, p.Arg139His (NM_001346890.1); short protein forms R490H, R107H, R139H.
Identifiers: ClinVar variation 156029 (VCV000156029.14), dbSNP rs587776360, ClinGen allele CA270677.
Genomic context (GRCh38, chr9:114,423,471, plus strand): 5'-CCTGGGGGCTGCCGCGCCTTCATGGACTCAATCTCACGCCTCAGCACCAGGTGGTCGAAG[C>T]GTTCTAGGTCTTGCGGGGAAATGGTGCCTCTCACCTCAGAGAGGAGTGAGAACTGGAGGC-3'
Protein context (NP_056219.3, residues 480-500): RGTISPQDLE[Arg490His]FDHLVLRREI

ClinVar aggregate classification (germline): Uncertain significance. Review status: criteria provided, multiple submitters, no conflicts (2 of 4 stars). 3 submissions from 3 submitters: Uncertain significance (3). Last evaluated 2022-05-11.

Conditions:
Autosomal recessive nonsyndromic hearing loss 31. Also called: WHIRLER, MOUSE, HOMOLOG OF. Identifiers: Orphanet 90636, MedGen C1846839, MONDO:0011767, OMIM 607084.

Allele frequency attached by ClinVar (database versions not stated): TOPMed 0.00001.
gnomAD v4.1: 10 of 1,613,064 alleles (0.00062%); highest among the groups gnomAD compares: Admixed American, 0.0017%; no homozygotes.

Submissions (3):

Blueprint Genetics
Classification: Uncertain significance. Last evaluated: 2022-05-11. Review status: criteria provided, single submitter. Criteria: ACMG Guidelines, 2015. Collection method: clinical testing. Allele origin: germline.

Labcorp Genetics (formerly Invitae), Labcorp
Classification: Uncertain significance. Last evaluated: 2022-03-09. Review status: criteria provided, single submitter. Criteria: Invitae Variant Classification Sherloc (09022015). Collection method: clinical testing. Allele origin: germline.
Comment: In summary, the available evidence is currently insufficient to determine the role of this variant in disease. Therefore, it has been classified as a Variant of Uncertain Significance. This sequence change replaces arginine, which is basic and polar, with histidine, which is basic and polar, at codon 490 of the WHRN protein (p.Arg490His). This variant is present in population databases (rs587776360, gnomAD 0.0009%). This variant has not been reported in the literature in individuals affected with WHRN-related conditions. ClinVar contains an entry for this variant (Variation ID: 156029). Algorithms developed to predict the effect of missense changes on protein structure and function output the following: SIFT: "Tolerated"; PolyPhen-2: "Benign"; Align-GVGD: "Class C0". The histidine amino acid residue is found in multiple mammalian species, which suggests that this missense change does not adversely affect protein function.

Genomic Research Center, Shahid Beheshti University of Medical Sciences
Classification: Uncertain significance for Deafness, autosomal recessive 31. Last evaluated: 2020-05-03. Review status: criteria provided, single submitter. Criteria: ACMG Guidelines, 2015. Collection method: clinical testing. Allele origin: unknown.